The following is an entry in ClinVar:

ClinVar aggregate classification (germline): Uncertain significance (1 of 4 stars; one submission).

Conditions:
Hereditary cancer-predisposing syndrome. Also called: Neoplastic Syndromes, Hereditary; Tumor predisposition; Hereditary Cancer Syndrome; Hereditary neoplastic syndrome. Identifiers: Orphanet 140162, MedGen C0027672, MeSH D009386, MONDO:0015356.

Allele frequency attached by ClinVar (database versions not stated): gnomAD exomes below 0.00001.
gnomAD v4.1: 2 of 1,614,052 alleles (0.00012%); highest among the groups gnomAD compares: Non-Finnish European, 0.00017%; no homozygotes.

Submission:

Color Diagnostics, LLC DBA Color Health
Classification: Uncertain significance for Hereditary cancer-predisposing syndrome. Last evaluated: 2024-03-06. Review status: criteria provided, single submitter. Criteria: ACMG Guidelines, 2015. Collection method: clinical testing. Allele origin: germline.
Comment: This missense variant replaces isoleucine with threonine at codon 200 of the BMPR1A protein. Computational prediction is inconclusive regarding the impact of this variant on protein structure and function (internally defined REVEL score threshold 0.5 < inconclusive < 0.7, PMID: 27666373). To our knowledge, functional studies have not been reported for this variant. This variant has not been reported in individuals affected with hereditary cancer in the literature. This variant has not been identified in the general population by the Genome Aggregation Database (gnomAD). The available evidence is insufficient to determine the role of this variant in disease conclusively. Therefore, this variant is classified as a Variant of Uncertain Significance.

NM_004329.3(BMPR1A):c.599T>C (p.Ile200Thr)

Gene: BMPR1A (bone morphogenetic protein receptor type 1A; plus strand). Cytogenetic location: 10q23.2.
Variant type: single nucleotide variant.
Coding change: c.599T>C on transcript NM_004329.3 (MANE Select); coding-DNA position 599, T replaced by C.
Protein change: p.Ile200Thr; replaces isoleucine 200 with threonine.
Molecular consequence: missense variant. On other transcripts: non-coding transcript variant (3), intron variant (1).
Genome position (GRCh38, 1-based): chr10:86,912,308, T>C. VCF-style: chr10-86912308-T-C. GRCh37 (hg19) VCF-style: chr10-88672065-T-C.
Other names: c.599T>C, p.Ile200Thr (NM_001406583.1, NM_001406561.1, NM_001406562.1 and 20 more transcripts); c.515T>C, p.Ile172Thr (NM_001406584.1, NM_001406585.1, NM_001406586.1 and 2 more transcripts); c.674T>C, p.Ile225Thr (NM_001406559.1); c.647T>C, p.Ile216Thr (NM_001406560.1); c.334-4826T>C (NM_001406589.1); short protein forms I200T, I216T, I172T, I225T.
Identifiers: ClinVar variation 2774806 (VCV002774806.2), dbSNP rs2539573167, ClinGen allele CA377454675.